The following is an entry in ClinVar:

NM_000135.4(FANCA):c.4250_4251del (p.His1417fs)

Genes: FANCA (FA complementation group A; minus strand), ZNF276 (zinc finger protein 276; plus strand). Cytogenetic location: 16q24.3.
Variant type: Microsatellite.
Coding change: c.4250_4251del on transcript NM_000135.4 (MANE Select); coding-DNA positions 4250 to 4251, 2 bases deleted (AC; older notation c.4250_4251delAC).
Protein change: p.His1417fs; shifts the reading frame from histidine 1417.
Molecular consequence: frameshift variant. On other transcripts: 3 prime UTR variant (2), non-coding transcript variant (4).
Genome position (GRCh38, 1-based): chr16:89,738,891-89,738,892, GT deleted on the plus strand (AC on the coding strand, the reverse complement: FANCA is on the minus strand); deleting any 2 consecutive bases within chr16:89,738,891-89,738,895 gives the same sequence; the c. name uses the placement nearest the transcript's 3' end. VCF-style (leftmost placement, unchanged base first): chr16-89738890-CGT-C. GRCh37 (hg19) VCF-style: chr16-89805298-CGT-C.
Other names: c.4254_4255del, p.Arg1419fs (NM_001286167.3); c.*646TG[1] (NM_001113525.2, NM_152287.4); short protein forms H1417fs, R1419fs.
Identifiers: ClinVar variation 2763943 (VCV002763943.3), dbSNP rs2544075812, ClinGen allele CA2697556110.

ClinVar aggregate classification (germline): Pathogenic (1 of 4 stars; one submission).

Conditions:
Fanconi anemia (FA). Also called: Fanconi's anemia. Identifiers: Orphanet 84, MedGen C0015625, MeSH D005199, MONDO:0019391.

Submission:

Labcorp Genetics (formerly Invitae), Labcorp
Classification: Pathogenic for Fanconi anemia. Last evaluated: 2023-09-27. Review status: criteria provided, single submitter. Criteria: Invitae Variant Classification Sherloc (09022015). Collection method: clinical testing. Allele origin: germline.
Comment: This sequence change creates a premature translational stop signal (p.His1417Argfs*7) in the FANCA gene. While this is not anticipated to result in nonsense mediated decay, it is expected to disrupt the last 39 amino acid(s) of the FANCA protein. This variant is not present in population databases (gnomAD no frequency). This variant has not been reported in the literature in individuals affected with FANCA-related conditions. This variant disrupts a region of the FANCA protein in which other variant(s) (p.Asp1429Asn) have been determined to be pathogenic (Invitae). This suggests that this is a clinically significant region of the protein, and that variants that disrupt it are likely to be disease-causing. For these reasons, this variant has been classified as Pathogenic.